The following is an entry in ClinVar:

ClinVar aggregate classification (germline): Uncertain significance (1 of 4 stars; one submission).

Submission:

CeGaT Center for Human Genetics Tuebingen
Classification: Uncertain significance. Last evaluated: 2025-12-01. Review status: criteria provided, single submitter. Criteria: CeGaT Center For Human Genetics Tuebingen Variant Classification Criteria Version 2. Collection method: clinical testing. Allele origin: germline. Affected: yes. Observed: 1 variant allele.
Comment: MAPK8IP3: PM2

NM_001318852.2(MAPK8IP3):c.3739C>G (p.Pro1247Ala)

Gene: MAPK8IP3 (mitogen-activated protein kinase 8 interacting protein 3; plus strand). Cytogenetic location: 16p13.3.
Variant type: single nucleotide variant.
Coding change: c.3739C>G on transcript NM_001318852.2 (MANE Select); coding-DNA position 3739, C replaced by G.
Protein change: p.Pro1247Ala; replaces proline 1247 with alanine.
Molecular consequence: missense variant.
Genome position (GRCh38, 1-based): chr16:1,768,375, C>G. VCF-style: chr16-1768375-C-G. GRCh37 (hg19) VCF-style: chr16-1818376-C-G.
Other names: c.3718C>G, p.Pro1240Ala (NM_001040439.2); c.3736C>G, p.Pro1246Ala (NM_015133.5); short protein forms P1240A, P1246A, P1247A.
Identifiers: ClinVar variation 4681546 (VCV004681546.5).